The following is an entry in ClinVar:

NM_004168.4(SDHA):c.695G>A (p.Arg232His)

Gene: SDHA (succinate dehydrogenase complex flavoprotein subunit A; plus strand). Cytogenetic location: 5p15.33.
Variant type: single nucleotide variant.
Coding change: c.695G>A on transcript NM_004168.4 (MANE Select); coding-DNA position 695, G replaced by A.
Protein change: p.Arg232His; replaces arginine 232 with histidine.
Molecular consequence: missense variant.
Genome position (GRCh38, 1-based): chr5:228,258, G>A. VCF-style: chr5-228258-G-A. GRCh37 (hg19) VCF-style: chr5-228373-G-A.
Other names: c.551G>A, p.Arg184His (NM_001294332.2); c.695G>A, p.Arg232His (NM_001330758.2); short protein forms R232H, R184H.
Identifiers: ClinVar variation 412351 (VCV000412351.17), dbSNP rs1060503708, ClinGen allele CA16611867.

ClinVar aggregate classification (germline): Uncertain significance. Review status: criteria provided, multiple submitters, no conflicts (2 of 4 stars). 5 submissions from 5 submitters: Uncertain significance (5). Last evaluated 2025-11-11.

Conditions:
Neurodegeneration with ataxia and late-onset optic atrophy. Identifiers: MedGen C5543254, MONDO:0031006, OMIM 619259.
Pheochromocytoma/paraganglioma syndrome 5. Also called: Paragangliomas 5; SDHA-Related Hereditary Paraganglioma-Pheochromocytoma Syndrome. Identifiers: Orphanet 29072, MedGen C3279992, MONDO:0013602, OMIM 614165.
Mitochondrial complex II deficiency, nuclear type 1. Also called: SUCCINATE CoQ REDUCTASE DEFICIENCY. Identifiers: Orphanet 3208, MedGen C5700310, MONDO:0100294, OMIM 252011.
Dilated cardiomyopathy 1GG (CMD1GG). Identifiers: Orphanet 154, MedGen C3150898, MONDO:0013339, OMIM 613642.
Hereditary cancer-predisposing syndrome. Also called: Neoplastic Syndromes, Hereditary; Tumor predisposition; Hereditary Cancer Syndrome; Hereditary neoplastic syndrome. Identifiers: Orphanet 140162, MedGen C0027672, MeSH D009386, MONDO:0015356.

Allele frequency attached by ClinVar (database versions not stated): gnomAD exomes 0.00001.
gnomAD v4.1: 13 of 1,613,436 alleles (0.00081%); highest among the groups gnomAD compares: East Asian, 0.0022%; no homozygotes.

Submissions (5):

Labcorp Genetics (formerly Invitae), Labcorp
Classification: Uncertain significance for Pheochromocytoma/paraganglioma syndrome 5; Mitochondrial complex II deficiency, nuclear type 1. Last evaluated: 2025-11-11. Review status: criteria provided, single submitter. Criteria: Invitae Variant Classification Sherloc (09022015). Collection method: clinical testing. Allele origin: germline.
Comment: This sequence change replaces arginine, which is basic and polar, with histidine, which is basic and polar, at codon 232 of the SDHA protein (p.Arg232His). This variant is not present in population databases (gnomAD no frequency). This variant has not been reported in the literature in individuals affected with SDHA-related conditions. ClinVar contains an entry for this variant (Variation ID: 412351). Invitae Evidence Modeling of protein sequence and biophysical properties (such as structural, functional, and spatial information, amino acid conservation, physicochemical variation, residue mobility, and thermodynamic stability) indicates that this missense variant is not expected to disrupt SDHA protein function with a negative predictive value of 95%. In summary, the available evidence is currently insufficient to determine the role of this variant in disease. Therefore, it has been classified as a Variant of Uncertain Significance.

Blueprint Genetics
Classification: Uncertain significance. Last evaluated: 2024-08-12. Review status: criteria provided, single submitter. Criteria: ACMG Guidelines, 2015. Collection method: clinical testing. Allele origin: germline.

GeneDx
Classification: Uncertain significance. Last evaluated: 2024-07-24. Review status: criteria provided, single submitter. Criteria: GeneDx Variant Classification Process June 2021. Collection method: clinical testing. Allele origin: germline. Affected: yes.
Comment: Has not been previously published as pathogenic or benign to our knowledge; Not observed at significant frequency in large population cohorts (gnomAD); In silico analysis indicates that this missense variant does not alter protein structure/function

Fulgent Genetics
Classification: Uncertain significance for Mitochondrial complex II deficiency, nuclear type 1; Dilated cardiomyopathy 1GG; Pheochromocytoma/paraganglioma syndrome 5; Neurodegeneration with ataxia and late-onset optic atrophy. Last evaluated: 2024-01-18. Review status: criteria provided, single submitter. Criteria: ACMG Guidelines, 2015. Collection method: clinical testing. Allele origin: germline.

Ambry Genetics
Classification: Uncertain significance for Hereditary cancer-predisposing syndrome. Last evaluated: 2024-01-17. Review status: criteria provided, single submitter. Criteria: Ambry Variant Classification Scheme 2023. Collection method: clinical testing. Allele origin: germline.
Comment: The p.R232H variant (also known as c.695G>A), located in coding exon 6 of the SDHA gene, results from a G to A substitution at nucleotide position 695. The arginine at codon 232 is replaced by histidine, an amino acid with highly similar properties. This amino acid position is not well conserved in available vertebrate species. In addition, this alteration is predicted to be tolerated by in silico analysis. Since supporting evidence is limited at this time, the clinical significance of this alteration remains unclear.